The following is an entry in ClinVar:

ClinVar aggregate classification (germline): Conflicting classifications of pathogenicity. Review status: criteria provided, conflicting classifications (1 of 4 stars). 7 submissions from 7 submitters: Uncertain significance (5); Likely benign (1). 1 of the submissions does not count toward it. Last evaluated 2026-01-14.

Conditions:
CBL-related disorder. Also called: NOONAN SYNDROME-LIKE DISORDER WITHOUT JUVENILE MYELOMONOCYTIC LEUKEMIA; CBL MUTATION-ASSOCIATED SYNDROME; CBL SYNDROME. Identifiers: Orphanet 363972, MedGen C3150803, MONDO:0013308, OMIM 613563.
RASopathy. Also called: rasopathies; Noonan spectrum disorder. Identifiers: Orphanet 536391, MedGen C5555857, MONDO:0021060.

Allele frequency attached by ClinVar (database versions not stated): gnomAD exomes 0.00001 and 0.00003; ExAC 0.00002; gnomAD 0.00003 and 0.00004; TOPMed 0.00005; ESP Exome Variant Server 0.00015.
gnomAD v4.1: 49 of 1,614,000 alleles (0.003%); highest among the groups gnomAD compares: African/African-American, 0.004%; no homozygotes.

Submissions (7):

Labcorp Genetics (formerly Invitae), Labcorp
Classification: Uncertain significance for RASopathy. Last evaluated: 2026-01-14. Review status: criteria provided, single submitter. Criteria: Invitae Variant Classification Sherloc (09022015). Collection method: clinical testing. Allele origin: germline.
Comment: This sequence change replaces arginine, which is basic and polar, with glutamine, which is neutral and polar, at codon 829 of the CBL protein (p.Arg829Gln). This variant is present in population databases (rs374672276, gnomAD 0.008%). This variant has not been reported in the literature in individuals affected with CBL-related conditions. ClinVar contains an entry for this variant (Variation ID: 45205). Invitae Evidence Modeling of protein sequence and biophysical properties (such as structural, functional, and spatial information, amino acid conservation, physicochemical variation, residue mobility, and thermodynamic stability) indicates that this missense variant is not expected to disrupt CBL protein function with a negative predictive value of 95%. In summary, the available evidence is currently insufficient to determine the role of this variant in disease. Therefore, it has been classified as a Variant of Uncertain Significance.

Blueprint Genetics
Classification: Uncertain significance. Last evaluated: 2023-09-09. Review status: criteria provided, single submitter. Criteria: ACMG Guidelines, 2015. Collection method: clinical testing. Allele origin: germline.

CeGaT Center for Human Genetics Tuebingen
Classification: Uncertain significance. Last evaluated: 2023-08-01. Review status: criteria provided, single submitter. Criteria: CeGaT Center For Human Genetics Tuebingen Variant Classification Criteria Version 2. Collection method: clinical testing. Allele origin: germline. Affected: yes. Observed: 1 variant allele.
Comment: CBL: PM1, PS2:Supporting

Women's Health and Genetics/Laboratory Corporation of America, LabCorp
Classification: Uncertain significance. Last evaluated: 2022-05-19. Review status: criteria provided, single submitter. Criteria: LabCorp Variant Classification Summary - May 2015. Collection method: clinical testing. Allele origin: germline.
Comment: Variant summary: CBL c.2486G>A (p.Arg829Gln) results in a conservative amino acid change in the encoded protein sequence. Three of five in-silico tools predict a damaging effect of the variant on protein function. The variant allele was found at a frequency of 8e-06 in 251450 control chromosomes. The available data on variant occurrences in the general population are insufficient to allow any conclusion about variant significance. To our knowledge, no occurrence of c.2486G>A in individuals affected with Noonan Syndrome And Related Conditions and no experimental evidence demonstrating its impact on protein function have been reported. Two clinical diagnostic laboratories have submitted clinical-significance assessments for this variant to ClinVar after 2014 without evidence for independent evaluation. One laboratory classified the variant as likely benign and one laboratory classified the variant as uncertain significance. Based on the evidence outlined above, the variant was classified as uncertain significance.

Illumina Laboratory Services, Illumina
Classification: Likely benign for CBL-related disorder. Last evaluated: 2017-04-27. Review status: criteria provided, single submitter. Criteria: ICSL Variant Classification Criteria 13 December 2019. Collection method: clinical testing. Allele origin: germline.
Comment: This variant was observed as part of a predisposition screen in an ostensibly healthy population. A literature search was performed for the gene, cDNA change, and amino acid change (where applicable). No publications were found based on this search. Allele frequency data from public databases allowed determination this variant is unlikely to cause disease. Therefore, this variant is classified as likely benign.

Laboratory for Molecular Medicine, Mass General Brigham Personalized Medicine
Classification: Uncertain significance. Last evaluated: 2012-10-01. Review status: criteria provided, single submitter. Criteria: LMM Criteria. Collection method: clinical testing. Allele origin: germline. Observed: 1 variant allele.
Comment: The Arg829Gln variant in CBL has not been reported in the literature nor previou sly identified by our laboratory. This variant has been identified in 0.01% (1/8 590) of European American chromosomes and 0.02% (1/4398) of African American chr omosomes from a broad population by the NHLBI Exome Sequencing Project; however, this frequency is too low to confidently ru le out a role in disease. Computational analyses (biochemical amino acid propert ies, conservation across species, AlignGVGD, PolyPhen2, and SIFT) do not provide strong support for or against an impact to the protein. In summary, additional information is needed to fully assess the clinical significance of the Arg829Gln variant.

PreventionGenetics, part of Exact Sciences
Classification: Uncertain significance for CBL-related condition. Last evaluated: 2024-02-26. Review status: no assertion criteria provided. Collection method: clinical testing. Allele origin: germline. Not counted in ClinVar's aggregate classification.
Comment: The CBL c.2486G>A variant is predicted to result in the amino acid substitution p.Arg829Gln. To our knowledge, this variant has not been reported in the literature. This variant is reported in 0.0080% of alleles in individuals of African descent in gnomAD. At this time, the clinical significance of this variant is uncertain due to the absence of conclusive functional and genetic evidence.

NM_005188.4(CBL):c.2486G>A (p.Arg829Gln)

Gene: CBL (Cbl proto-oncogene; plus strand). Cytogenetic location: 11q23.3.
Variant type: single nucleotide variant.
Coding change: c.2486G>A on transcript NM_005188.4 (MANE Select); coding-DNA position 2486, G replaced by A.
Protein change: p.Arg829Gln; replaces arginine 829 with glutamine.
Molecular consequence: missense variant.
Genome position (GRCh38, 1-based): chr11:119,299,546, G>A. VCF-style: chr11-119299546-G-A. GRCh37 (hg19) VCF-style: chr11-119170256-G-A.
Other names: short protein forms R829Q.
Identifiers: ClinVar variation 45205 (VCV000045205.45), dbSNP rs374672276, ClinGen allele CA135728.
Genomic context (GRCh38, chr11:119,299,546, plus strand): 5'-TTCTTCTAGATGTCACTGAAGGTTCCCAAGTTCCCGAGAGGCCTCCAAAACCATTCCCGC[G>A]GAGAATCAACTCTGAACGGAAAGCTGGCAGCTGTCAGCAAGGTAGTGGTCCTGCCGCCTC-3'
Protein context (NP_005179.2, residues 819-839): VPERPPKPFP[Arg829Gln]RINSERKAGS